The following is an entry in ClinVar:

NM_130468.4(CHST14):c.572T>C (p.Leu191Pro)

Gene: CHST14 (carbohydrate sulfotransferase 14; plus strand). Cytogenetic location: 15q15.1.
Variant type: single nucleotide variant.
Coding change: c.572T>C on transcript NM_130468.4 (MANE Select); coding-DNA position 572, T replaced by C.
Protein change: p.Leu191Pro; replaces leucine 191 with proline.
Molecular consequence: missense variant.
Genome position (GRCh38, 1-based): chr15:40,471,785, T>C. VCF-style: chr15-40471785-T-C. GRCh37 (hg19) VCF-style: chr15-40763984-T-C.
Other names: short protein forms L191P.
Identifiers: ClinVar variation 1309639 (VCV001309639.2), dbSNP rs1894352088, ClinGen allele CA391766296.
Genomic context (GRCh38, chr15:40,471,785, plus strand): 5'-GCGTCCTGGACAGCGTGGACGTCCGCCTCAAGATGGACCACCGCAGTGACCTGGTGTTCC[T>C]GGCCGACCTGCGGCCTGAGGAGATTCGCTACCGCCTGCAGCACTACTTTAAGTTCCTGTT-3'
Protein context (NP_569735.1, residues 181-201): KMDHRSDLVF[Leu191Pro]ADLRPEEIRY

ClinVar aggregate classification (germline): Uncertain significance (1 of 4 stars; one submission).

Submission:

GeneDx
Classification: Uncertain significance. Last evaluated: 2019-11-03. Review status: criteria provided, single submitter. Criteria: GeneDx Variant Classification Process June 2021. Collection method: clinical testing. Allele origin: germline. Affected: yes.
Comment: Has not been previously published as pathogenic or benign to our knowledge; Not observed in large population cohorts (Lek et al., 2016); In silico analysis, which includes protein predictors and evolutionary conservation, supports a deleterious effect